The following is an entry in ClinVar:

ClinVar aggregate classification (germline): Uncertain significance (1 of 4 stars; one submission).

Allele frequency attached by ClinVar (database versions not stated): gnomAD exomes below 0.00001 and 0.00001; ExAC 0.00001; TOPMed 0.00001.
gnomAD v4.1: 11 of 1,614,074 alleles (0.00068%); highest among the groups gnomAD compares: Admixed American, 0.0017%; no homozygotes.

Submission:

Labcorp Genetics (formerly Invitae), Labcorp
Classification: Uncertain significance. Last evaluated: 2022-03-09. Review status: criteria provided, single submitter. Criteria: Invitae Variant Classification Sherloc (09022015). Collection method: clinical testing. Allele origin: germline.
Comment: This sequence change replaces aspartic acid, which is acidic and polar, with asparagine, which is neutral and polar, at codon 4021 of the FAT4 protein (p.Asp4021Asn). This variant is present in population databases (rs372001379, gnomAD 0.003%). This variant has not been reported in the literature in individuals affected with FAT4-related conditions. Advanced modeling of protein sequence and biophysical properties (such as structural, functional, and spatial information, amino acid conservation, physicochemical variation, residue mobility, and thermodynamic stability) performed at Invitae indicates that this missense variant is not expected to disrupt FAT4 protein function. In summary, the available evidence is currently insufficient to determine the role of this variant in disease. Therefore, it has been classified as a Variant of Uncertain Significance.

NM_001291303.3(FAT4):c.12067G>A (p.Asp4023Asn)

Gene: FAT4 (FAT atypical cadherin 4; plus strand). Cytogenetic location: 4q28.1.
Variant type: single nucleotide variant.
Coding change: c.12067G>A on transcript NM_001291303.3 (MANE Select); coding-DNA position 12067, G replaced by A.
Protein change: p.Asp4023Asn; replaces aspartic acid 4023 with asparagine.
Molecular consequence: missense variant.
Genome position (GRCh38, 1-based): chr4:125,468,673, G>A. VCF-style: chr4-125468673-G-A. GRCh37 (hg19) VCF-style: chr4-126389828-G-A.
Other names: c.12067G>A, p.Asp4023Asn (NM_001291285.3); c.12061G>A, p.Asp4021Asn (NM_024582.6); short protein forms D4021N, D4023N.
Identifiers: ClinVar variation 1463823 (VCV001463823.5), dbSNP rs372001379, ClinGen allele CA3074000.